The following is an entry in ClinVar:

NM_000432.4(MYL2):c.62T>C (p.Phe21Ser)

Genes: MYL2 (myosin light chain 2; minus strand), LOC114827850 (VISTA enhancer hs2149; plus strand). Cytogenetic location: 12q24.11.
Variant type: single nucleotide variant.
Coding change: c.62T>C on transcript NM_000432.4 (MANE Select); coding-DNA position 62, T replaced by C.
Protein change: p.Phe21Ser; replaces phenylalanine 21 with serine.
Molecular consequence: missense variant.
Genome position (GRCh38, 1-based): chr12:110,919,135, A>G on the plus strand (T>C on the coding strand, the complement: MYL2 is on the minus strand). VCF-style: chr12-110919135-A-G. GRCh37 (hg19) VCF-style: chr12-111356939-A-G.
Other names: c.62T>C, p.Phe21Ser (NM_001406745.1, NM_001406746.1); c.5T>C, p.Phe2Ser (NM_001406916.1); short protein forms F21S, F2S.
Identifiers: ClinVar variation 2849024 (VCV002849024.4), dbSNP rs2499814915, ClinGen allele CA386700259.
Genomic context (GRCh38, chr12:110,919,135, plus strand): 5'-CAGGCGGATGATTCAATAGCTGCACCCACCTCCTTAAATTCCTGGATTTGGGTCTGTTCG[A>G]ACATGGAGAACACGTTGGAGTTGGCGCCCCCGGCTCTCTTCTTTGCTTTCTTAGGTGCCT-3'
Protein context (NP_000423.2, residues 11-31): GGANSNVFSM[Phe21Ser]EQTQIQEFKE

ClinVar aggregate classification (germline): Uncertain significance. Review status: criteria provided, multiple submitters, no conflicts (2 of 4 stars). 2 submissions from 2 submitters: Uncertain significance (2). Last evaluated 2025-07-09.

Conditions:
Cardiovascular phenotype. Identifiers: MedGen CN230736.
Hypertrophic cardiomyopathy 10. Also called: MYL2-Related Familial Hypertrophic Cardiomyopathy; CARDIOMYOPATHY, HYPERTROPHIC, MID-LEFT VENTRICULAR CHAMBER TYPE, 2. Identifiers: MedGen C1834460, MONDO:0012112, OMIM 608758.

Submissions (2):

Ambry Genetics
Classification: Uncertain significance for Cardiovascular phenotype. Last evaluated: 2025-07-09. Review status: criteria provided, single submitter. Criteria: Ambry Variant Classification Scheme 2023. Collection method: clinical testing. Allele origin: germline.
Comment: The p.F21S variant (also known as c.62T>C), located in coding exon 2 of the MYL2 gene, results from a T to C substitution at nucleotide position 62. The phenylalanine at codon 21 is replaced by serine, an amino acid with highly dissimilar properties. This amino acid position is conserved. In addition, this alteration is predicted to be deleterious by in silico analysis. Based on the available evidence, the clinical significance of this variant remains unclear.

Labcorp Genetics (formerly Invitae), Labcorp
Classification: Uncertain significance for Hypertrophic cardiomyopathy 10. Last evaluated: 2023-03-24. Review status: criteria provided, single submitter. Criteria: Invitae Variant Classification Sherloc (09022015). Collection method: clinical testing. Allele origin: germline.
Comment: In summary, the available evidence is currently insufficient to determine the role of this variant in disease. Therefore, it has been classified as a Variant of Uncertain Significance. An algorithm developed to predict the effect of missense changes on protein structure and function (PolyPhen-2) suggests that this variant is likely to be disruptive. This variant has not been reported in the literature in individuals affected with MYL2-related conditions. This variant is not present in population databases (gnomAD no frequency). This sequence change replaces phenylalanine, which is neutral and non-polar, with serine, which is neutral and polar, at codon 21 of the MYL2 protein (p.Phe21Ser).